The following is an entry in ClinVar:

ClinVar aggregate classification (germline): Conflicting classifications of pathogenicity. Review status: criteria provided, conflicting classifications (1 of 4 stars). 3 submissions from 2 submitters: Uncertain significance (1); Benign (1); Likely benign (1). Last evaluated 2023-05-01.

Conditions:
Noonan syndrome 4 (NS4). Also called: SOS1-Related Noonan Syndrome; NOONAN SYNDROME WITH PIGMENTED VILLONODULAR SYNOVITIS. Identifiers: Orphanet 648, MedGen C1853120, MONDO:0012547, OMIM 610733.
Fibromatosis, gingival, 1 (GINGF1). Identifiers: Orphanet 2024, MedGen C4551558, MONDO:0007609, OMIM 135300.

Allele frequency attached by ClinVar (database versions not stated): 1000 Genomes Project 0.00180; 1000 Genomes Project 30x 0.00203; TOPMed 0.00354; gnomAD 0.00372 and 0.00374.

Submissions (3):

CeGaT Center for Human Genetics Tuebingen
Classification: Likely benign. Last evaluated: 2023-05-01. Review status: criteria provided, single submitter. Criteria: CeGaT Center For Human Genetics Tuebingen Variant Classification Criteria Version 2. Collection method: clinical testing. Allele origin: germline. Affected: yes. Observed: 9 variant alleles.
Comment: SOS1: BS1

Illumina Laboratory Services, Illumina
Classification: Benign for Fibromatosis, gingival, 1. Last evaluated: 2018-01-13. Review status: criteria provided, single submitter. Criteria: ICSL Variant Classification Criteria 13 December 2019. Collection method: clinical testing. Allele origin: germline.
Comment: This variant was observed in the ICSL laboratory as part of a predisposition screen in an ostensibly healthy population. It had not been previously curated by ICSL or reported in the Human Gene Mutation Database (HGMD: prior to June 1st, 2018), and was therefore a candidate for classification through an automated scoring system. Utilizing variant allele frequency, disease prevalence and penetrance estimates, and inheritance mode, an automated score was calculated to assess if this variant is too frequent to cause the disease. Based on the score and internal cut-off values, a variant classified as benign is not then subjected to further curation. The score for this variant resulted in a classification of benign for this disease.

Illumina Laboratory Services, Illumina
Classification: Uncertain significance for Noonan syndrome 4. Last evaluated: 2018-01-13. Review status: criteria provided, single submitter. Criteria: ICSL Variant Classification Criteria 13 December 2019. Collection method: clinical testing. Allele origin: germline.

NM_005633.4(SOS1):c.*758A>T

Gene: SOS1 (SOS Ras/Rac guanine nucleotide exchange factor 1; minus strand). Cytogenetic location: 2p22.1.
Variant type: single nucleotide variant.
Coding change: c.*758A>T on transcript NM_005633.4 (MANE Select); 758 bases downstream of the stop codon, A replaced by T.
Molecular consequence: 3 prime UTR variant.
Genome position (GRCh38, 1-based): chr2:38,985,066, T>A on the plus strand (A>T on the coding strand, the complement: SOS1 is on the minus strand). VCF-style: chr2-38985066-T-A. GRCh37 (hg19) VCF-style: chr2-39212207-T-A.
Other names: c.*758A>T (NM_001382394.1, NM_001382395.1).
Identifiers: ClinVar variation 336005 (VCV000336005.35), dbSNP rs182650589, ClinGen allele CA10613814.